The following is an entry in ClinVar:

NM_001453.3(FOXC1):c.1124GCG[4] (p.Gly379_Gly380del)

Gene: FOXC1 (forkhead box C1; plus strand). Cytogenetic location: 6p25.3.
Variant type: Microsatellite.
Coding change: c.1124GCG[4] on transcript NM_001453.3 (MANE Select); four copies in a row of the 3-base unit GCG starting at c.1124; the reference has six copies in a row; two copies, 6 bases deleted; also written c.1136_1141del.
Protein change: p.Gly379_Gly380del.
Molecular consequence: inframe deletion.
Genome position (GRCh38, 1-based): chr6:1,611,581-1,611,586, GCGGCG deleted; deleting any 6 consecutive bases within chr6:1,611,568-1,611,586 gives the same sequence; the position shown is the placement nearest the transcript's 3' end. VCF-style (leftmost placement, unchanged base first): chr6-1611567-GGGCGGC-G. GRCh37 (hg19) VCF-style: chr6-1611802-GGGCGGC-G.
Other names: c.1136_1141del (NM_001453.3).
Identifiers: ClinVar variation 940945 (VCV000940945.10), dbSNP rs76840944, ClinGen allele CA565356189.

ClinVar aggregate classification (germline): Uncertain significance. Review status: criteria provided, multiple submitters, no conflicts (2 of 4 stars). 3 submissions from 3 submitters: Uncertain significance (3). Last evaluated 2025-05-01.

Conditions:
Axenfeld-Rieger syndrome type 3 (RIEG3). Also called: AXENFELD-RIEGER ANOMALY WITH CARDIAC DEFECTS AND/OR SENSORINEURAL HEARING LOSS. Identifiers: Orphanet 782, MedGen C2678503, MONDO:0011233, OMIM 602482.
Anterior segment dysgenesis 3 (ASGD3). Also called: IRIDOGONIODYSGENESIS ANOMALY, AUTOSOMAL DOMINANT; Glaucoma iridogoniodysplasia, familial. Identifiers: Orphanet 91483, MedGen C5975707, MONDO:0024456, OMIM 601631.

Submissions (3):

Labcorp Genetics (formerly Invitae), Labcorp
Classification: Uncertain significance for Axenfeld-Rieger syndrome type 3. Last evaluated: 2025-05-01. Review status: criteria provided, single submitter. Criteria: Invitae Variant Classification Sherloc (09022015). Collection method: clinical testing. Allele origin: germline.
Comment: This variant, c.1136_1141del, results in the deletion of 2 amino acid(s) of the FOXC1 protein (p.Gly379_Gly380del), but otherwise preserves the integrity of the reading frame. The frequency data for this variant in the population databases is considered unreliable, as metrics indicate poor data quality at this position in the gnomAD database. This variant has not been reported in the literature in individuals affected with FOXC1-related conditions. ClinVar contains an entry for this variant (Variation ID: 940945). Experimental studies and prediction algorithms are not available or were not evaluated, and the functional significance of this variant is currently unknown. In summary, the available evidence is currently insufficient to determine the role of this variant in disease. Therefore, it has been classified as a Variant of Uncertain Significance.

Fulgent Genetics
Classification: Uncertain significance for Anterior segment dysgenesis 3; Axenfeld-Rieger syndrome type 3. Last evaluated: 2021-11-11. Review status: criteria provided, single submitter. Criteria: ACMG Guidelines, 2015. Collection method: clinical testing. Allele origin: unknown.

Neuberg Centre For Genomic Medicine, NCGM
Classification: Uncertain significance for Axenfeld-Rieger syndrome type 3. Review status: criteria provided, single submitter. Criteria: ACMG Guidelines, 2015. Collection method: clinical testing. Allele origin: germline. Inheritance: Autosomal dominant inheritance. Affected: yes.
Comment: The observed inframe deletion variant c.1136_1141del(p.Gly379_Gly380del) in the FOXC1 gene has not been reported previously as a pathogenic variant nor as a benign variant, to our knowledge. This variant is reported with the allele frequency 0.01% in the gnomAD Exomes. This p.Gly379_Gly380del causes deletion of amino acid Glycine at position 379 to Glycine at position 380. This variant has been reported to the ClinVar database as Uncertain significance. This variant is predicted to cause changes in the protein length resulting from in-frame deletion. For these reasons, this variant has been classified as Uncertain significance.